The following is an entry in ClinVar:

NM_000038.6(APC):c.8229T>C (p.Asn2743=)

Gene: APC (APC regulator of Wnt signaling pathway; plus strand). Cytogenetic location: 5q22.2.
Variant type: single nucleotide variant.
Coding change: c.8229T>C on transcript NM_000038.6 (MANE Select); coding-DNA position 8229, T replaced by C.
Protein change: p.Asn2743=; no amino-acid change (asparagine 2743 retained).
Molecular consequence: synonymous variant. On other transcripts: non-coding transcript variant (2).
Genome position (GRCh38, 1-based): chr5:112,843,823, T>C. VCF-style: chr5-112843823-T-C. GRCh37 (hg19) VCF-style: chr5-112179520-T-C.
Other names: c.8229T>C, p.Asn2743= (NM_001127510.3, NM_001354895.2, NM_001407450.1); c.8175T>C, p.Asn2725= (NM_001127511.3); c.8283T>C, p.Asn2761= (NM_001354896.2, NM_001407447.1, NM_001407448.1 and 1 more transcripts); c.8259T>C, p.Asn2753= (NM_001354897.2); c.8154T>C, p.Asn2718= (NM_001354898.2); c.8145T>C, p.Asn2715= (NM_001354899.2); c.8106T>C, p.Asn2702= (NM_001354900.2); c.8052T>C, p.Asn2684= (NM_001354901.2, NM_001407453.1); and 11 more.
Identifiers: ClinVar variation 3254004 (VCV003254004.1), dbSNP rs1561621557.
Genomic context (GRCh38, chr5:112,843,823, plus strand): 5'-CTCCTTTATTCAGGTGGATGCCCCTGACCAAAAAGGAACTGAGATAAAACCAGGACAAAA[T>C]AATCCTGTCCCTGTATCAGAGACTAATGAAAGTTCTATAGTGGAACGTACCCCATTCAGT-3'
Protein context (NP_000029.2, residues 2733-2753): QKGTEIKPGQ[Asn2743=]NPVPVSETNE

ClinVar aggregate classification (germline): Benign (1 of 4 stars; one submission).

Conditions:
Familial adenomatous polyposis 1 (FAP1). Also called: POLYPOSIS, ADENOMATOUS INTESTINAL; FAMILIAL ADENOMATOUS POLYPOSIS 1, ATTENUATED. Identifiers: MedGen C2713442, MONDO:0021056, OMIM 175100. Disease mechanism: loss of function.

Submission:

Myriad Genetics, Inc.
Classification: Benign for Familial adenomatous polyposis 1. Last evaluated: 2024-04-12. Review status: criteria provided, single submitter. Criteria: Myriad Autosomal Dominant, Autosomal Recessive and X-Linked Classification Criteria (2023). Collection method: clinical testing. Allele origin: unknown.
Comment: This variant is considered benign. This variant is a silent/synonymous amino acid change and it is not expected to impact splicing.